The following is an entry in ClinVar:

ClinVar aggregate classification (germline): Conflicting classifications of pathogenicity. Review status: criteria provided, conflicting classifications (1 of 4 stars). 2 submissions from 2 submitters: Pathogenic (1); Uncertain significance (1). Last evaluated 2025-03-31.

Conditions:
BFSP1-related disorder. Also called: BFSP1-related condition.
Cataract 33. Also called: CATARACT 33, CORTICAL. Identifiers: Orphanet 91492, MedGen C3808107, MONDO:0012665, OMIM 611391.

Allele frequency attached by ClinVar (database versions not stated): gnomAD exomes 0.00001.
gnomAD v4.1: 2 of 1,613,950 alleles (0.00012%); highest among the groups gnomAD compares: Admixed American, 0.0033%; no homozygotes.

Submissions (2):

PreventionGenetics, part of Exact Sciences
Classification: Uncertain significance for BFSP1-related condition. Last evaluated: 2025-03-31. Review status: criteria provided, single submitter. Criteria: ACMG Guidelines, 2015. Collection method: clinical testing. Allele origin: germline.
Comment: The BFSP1 c.898C>T variant is predicted to result in premature protein termination (p.Gln300*). To our knowledge, this variant has not been reported in the literature. This variant is reported in 0.0058% of alleles in individuals of Latino descent in gnomAD. Currently, there is limited evidence to support the pathogenicity of protein truncating variants in causing BFSP1-related disease. At this time, the clinical significance of this variant is uncertain due to the absence of conclusive functional and genetic evidence.

Labcorp Genetics (formerly Invitae), Labcorp
Classification: Pathogenic for Cataract 33. Last evaluated: 2019-04-25. Review status: criteria provided, single submitter. Criteria: Invitae Variant Classification Sherloc (09022015). Collection method: clinical testing. Allele origin: germline.
Comment: This sequence change creates a premature translational stop signal (p.Gln300*) in the BFSP1 gene. It is expected to result in an absent or disrupted protein product. For these reasons, this variant has been classified as Pathogenic. Loss-of-function variants in BFSP1 are known to be pathogenic (PMID: 12454043, 14638724, 17225135). This variant has not been reported in the literature in individuals with BFSP1-related conditions. This variant is not present in population databases (ExAC no frequency).

Literature cited by the submitters: PubMed 12454043 (cited by Labcorp Genetics (formerly Invitae), Labcorp); PubMed 14638724 (cited by Labcorp Genetics (formerly Invitae), Labcorp); PubMed 17225135 (cited by Labcorp Genetics (formerly Invitae), Labcorp).

NM_001195.5(BFSP1):c.898C>T (p.Gln300Ter)

Gene: BFSP1 (beaded filament structural protein 1; minus strand). Cytogenetic location: 20p12.1.
Variant type: single nucleotide variant.
Coding change: c.898C>T on transcript NM_001195.5 (MANE Select); coding-DNA position 898, C replaced by T.
Protein change: p.Gln300Ter; replaces glutamine 300 with a stop codon.
Molecular consequence: nonsense.
Genome position (GRCh38, 1-based): chr20:17,498,878, G>A on the plus strand (C>T on the coding strand, the complement: BFSP1 is on the minus strand). VCF-style: chr20-17498878-G-A. GRCh37 (hg19) VCF-style: chr20-17479523-G-A.
Other names: c.523C>T, p.Gln175Ter (NM_001161705.2); c.481C>T, p.Gln161Ter (NM_001278606.2, NM_001278608.2); c.565C>T, p.Gln189Ter (NM_001278607.2); short protein forms Q189*, Q300*, Q161*, Q175*.
Identifiers: ClinVar variation 838855 (VCV000838855.9), dbSNP rs1246080692, ClinGen allele CA408317273.
Genomic context (GRCh38, chr20:17,498,878, plus strand): 5'-ACCTGTTGCCTTCAATCTCGATGATACGATGATACCGGTCCAGCTCATTCTTCAGGGTTT[G>A]CTGGGCGACCGCCAGCTGCCGGCAGTCGTAAGAAGACTTCTCCAGGACCCGCTCTGTCTC-3'